The following is an entry in ClinVar:

NM_015214.3(DDHD2):c.608T>C (p.Val203Ala)

Gene: DDHD2 (DDHD domain containing 2; plus strand). Cytogenetic location: 8p11.23.
Variant type: single nucleotide variant.
Coding change: c.608T>C on transcript NM_015214.3 (MANE Select); coding-DNA position 608, T replaced by C.
Protein change: p.Val203Ala; replaces valine 203 with alanine.
Molecular consequence: missense variant. On other transcripts: non-coding transcript variant (2).
Genome position (GRCh38, 1-based): chr8:38,238,195, T>C. VCF-style: chr8-38238195-T-C. GRCh37 (hg19) VCF-style: chr8-38095713-T-C.
Other names: c.608T>C, p.Val203Ala (NM_001164232.2, NM_001164234.2, NM_001362911.2 and 3 more transcripts); short protein forms V203A.
Identifiers: ClinVar variation 473075 (VCV000473075.6), dbSNP rs755852058, ClinGen allele CA4716022.

ClinVar aggregate classification (germline): Uncertain significance. Review status: criteria provided, multiple submitters, no conflicts (2 of 4 stars). 2 submissions from 2 submitters: Uncertain significance (2). Last evaluated 2024-01-22.

Conditions:
Hereditary spastic paraplegia 54. Also called: Spastic paraplegia 54, autosomal recessive. Identifiers: Orphanet 320380, MedGen C3539495, MONDO:0014018, OMIM 615033.
Inborn genetic diseases. Identifiers: MedGen C0950123, MeSH D030342.

Allele frequency attached by ClinVar (database versions not stated): gnomAD exomes 0.00001 and 0.00005; TOPMed 0.00001; ExAC 0.00002; gnomAD 0.00002.
gnomAD v4.1: 14 of 1,613,744 alleles (0.00087%); highest among the groups gnomAD compares: East Asian, 0.031%; no homozygotes.

Submissions (2):

Ambry Genetics
Classification: Uncertain significance for Inborn genetic diseases. Last evaluated: 2024-01-22. Review status: criteria provided, single submitter. Criteria: Ambry Variant Classification Scheme 2023. Collection method: clinical testing. Allele origin: germline.

Labcorp Genetics (formerly Invitae), Labcorp
Classification: Uncertain significance for Hereditary spastic paraplegia 54. Last evaluated: 2022-02-24. Review status: criteria provided, single submitter. Criteria: Invitae Variant Classification Sherloc (09022015). Collection method: clinical testing. Allele origin: germline.
Comment: This sequence change replaces valine, which is neutral and non-polar, with alanine, which is neutral and non-polar, at codon 203 of the DDHD2 protein (p.Val203Ala). This variant is present in population databases (rs755852058, gnomAD 0.07%). This variant has not been reported in the literature in individuals affected with DDHD2-related conditions. ClinVar contains an entry for this variant (Variation ID: 473075). Algorithms developed to predict the effect of missense changes on protein structure and function (SIFT, PolyPhen-2, Align-GVGD) all suggest that this variant is likely to be tolerated. In summary, the available evidence is currently insufficient to determine the role of this variant in disease. Therefore, it has been classified as a Variant of Uncertain Significance.